The following is an entry in ClinVar:

ClinVar aggregate classification (germline): Uncertain significance. Review status: criteria provided, multiple submitters, no conflicts (2 of 4 stars). 2 submissions from 2 submitters: Uncertain significance (2). Last evaluated 2025-04-28.

Conditions:
Inborn genetic diseases. Identifiers: MedGen C0950123, MeSH D030342.

Allele frequency attached by ClinVar (database versions not stated): gnomAD exomes below 0.00001; ExAC 0.00001.
gnomAD v4.1: 2 of 1,606,192 alleles (0.00012%); highest among the groups gnomAD compares: Middle Eastern, 0.017%; no homozygotes.

Submissions (2):

Ambry Genetics
Classification: Uncertain significance for Inborn genetic diseases. Last evaluated: 2025-04-28. Review status: criteria provided, single submitter. Criteria: Ambry Variant Classification Scheme 2023. Collection method: clinical testing. Allele origin: germline.

Labcorp Genetics (formerly Invitae), Labcorp
Classification: Uncertain significance. Last evaluated: 2024-05-15. Review status: criteria provided, single submitter. Criteria: Invitae Variant Classification Sherloc (09022015). Collection method: clinical testing. Allele origin: germline.
Comment: This sequence change replaces leucine, which is neutral and non-polar, with valine, which is neutral and non-polar, at codon 538 of the CAD protein (p.Leu538Val). This variant is present in population databases (rs779040946, gnomAD 0.006%). This variant has not been reported in the literature in individuals affected with CAD-related conditions. ClinVar contains an entry for this variant (Variation ID: 1714846). Advanced modeling of protein sequence and biophysical properties (such as structural, functional, and spatial information, amino acid conservation, physicochemical variation, residue mobility, and thermodynamic stability) performed at Invitae indicates that this missense variant is not expected to disrupt CAD protein function with a negative predictive value of 80%. In summary, the available evidence is currently insufficient to determine the role of this variant in disease. Therefore, it has been classified as a Variant of Uncertain Significance.

NM_004341.5(CAD):c.1612C>G (p.Leu538Val)

Gene: CAD (carbamoyl-phosphate synthetase 2, aspartate transcarbamylase, and dihydroorotase; plus strand). Cytogenetic location: 2p23.3.
Variant type: single nucleotide variant.
Coding change: c.1612C>G on transcript NM_004341.5 (MANE Select); coding-DNA position 1612, C replaced by G.
Protein change: p.Leu538Val; replaces leucine 538 with valine.
Molecular consequence: missense variant.
Genome position (GRCh38, 1-based): chr2:27,225,235, C>G. VCF-style: chr2-27225235-C-G. GRCh37 (hg19) VCF-style: chr2-27448103-C-G.
Other names: c.1612C>G, p.Leu538Val (NM_001306079.2); c.1612C>G (NM_004341.3); short protein forms L538V.
Identifiers: ClinVar variation 1714846 (VCV001714846.6), dbSNP rs779040946, ClinGen allele CA1572762.